The following is an entry in ClinVar:

ClinVar aggregate classification (germline): Uncertain significance (1 of 4 stars; one submission).

Conditions:
Autosomal recessive limb-girdle muscular dystrophy type 2J (LGMDR10). Also called: Limb-girdle muscular dystrophy, type 2J; MUSCULAR DYSTROPHY, LIMB-GIRDLE, AUTOSOMAL RECESSIVE 10. Identifiers: Orphanet 140922, MedGen C1837342, MONDO:0012127, OMIM 608807.
Dilated cardiomyopathy 1G (CMD1G). Identifiers: Orphanet 154, MedGen C1858763, MONDO:0011400, OMIM 604145.

gnomAD v4.1: 1 of 1,613,806 alleles (0.000062%); highest among the groups gnomAD compares: Non-Finnish European, 0.000085%; no homozygotes.

Submission:

Labcorp Genetics (formerly Invitae), Labcorp
Classification: Uncertain significance for Dilated cardiomyopathy 1G; Autosomal recessive limb-girdle muscular dystrophy type 2J. Last evaluated: 2025-08-24. Review status: criteria provided, single submitter. Criteria: Invitae Variant Classification Sherloc (09022015). Collection method: clinical testing. Allele origin: germline.
Comment: This sequence change replaces arginine, which is basic and polar, with glycine, which is neutral and non-polar, at codon 35252 of the TTN protein (p.Arg35252Gly). This variant is present in population databases (no rsID available, gnomAD 0.0009%). This variant has not been reported in the literature in individuals affected with TTN-related conditions. Experimental studies and prediction algorithms are not available or were not evaluated, and the functional significance of this variant is currently unknown. This variant is located in the M band of TTN (PMID: 25589632). Non-truncating variants in this region may be relevant for neuromuscular disorders, but have not been definitively shown to cause cardiomyopathy (PMID: 23975875). In summary, the available evidence is currently insufficient to determine the role of this variant in disease. Therefore, it has been classified as a Variant of Uncertain Significance.

Literature cited by the submitters: PubMed 25589632; PubMed 23975875.

NM_001267550.2(TTN):c.105754C>G (p.Arg35252Gly)

Genes: TTN (titin; minus strand), TTN-AS1 (TTN antisense RNA 1; plus strand), LOC129935183 (ATAC-STARR-seq lymphoblastoid active region 16808; plus strand). Cytogenetic location: 2q31.2.
Variant type: single nucleotide variant.
Coding change: c.105754C>G on transcript NM_001267550.2 (MANE Select); coding-DNA position 105754, C replaced by G.
Protein change: p.Arg35252Gly; replaces arginine 35252 with glycine.
Molecular consequence: missense variant.
Genome position (GRCh38, 1-based): chr2:178,530,861, G>C on the plus strand (C>G on the coding strand, the complement: TTN is on the minus strand). VCF-style: chr2-178530861-G-C. GRCh37 (hg19) VCF-style: chr2-179395588-G-C.
Other names: c.100831C>G, p.Arg33611Gly (NM_001256850.1); c.78559C>G, p.Arg26187Gly (NM_003319.4); c.98050C>G, p.Arg32684Gly (NM_133378.4); c.78934C>G, p.Arg26312Gly (NM_133432.3); c.79135C>G, p.Arg26379Gly (NM_133437.4); short protein forms R32684G, R35252G, R26379G, R33611G, R26187G, R26312G.
Identifiers: ClinVar variation 4791387 (VCV004791387.1).
Genomic context (GRCh38, chr2:178,530,861, plus strand): 5'-TTGGTTTTGTCTCTGTGGGTGATACGGCTTTCGGGTGAGAAGGTTCTGGAGATTTCACTC[G>C]TTTTGGAGACTTAACTGCTTCTGGGGATTTCACCCGAGGCTCTGGGGATTTGACTCTTGG-3'
Protein context (NP_001254479.2, residues 35242-35262): KSPEAVKSPK[Arg35252Gly]VKSPEPSHPK